The following is an entry in ClinVar:

NM_002768.5(CHMP1A):c.253-249G>A

Gene: CHMP1A (charged multivesicular body protein 1A; minus strand). Cytogenetic location: 16q24.3.
Variant type: single nucleotide variant.
Coding change: c.253-249G>A on transcript NM_002768.5 (MANE Select); 249 bases into the intron before coding-DNA position 253, G replaced by A.
Molecular consequence: intron variant.
Genome position (GRCh38, 1-based): chr16:89,647,580, C>T on the plus strand (G>A on the coding strand, the complement: CHMP1A is on the minus strand). VCF-style: chr16-89647580-C-T. GRCh37 (hg19) VCF-style: chr16-89713988-C-T.
Other names: c.233-249G>A (NM_001083314.4).
Identifiers: ClinVar variation 2647120 (VCV002647120.24), dbSNP rs530999987, ClinGen allele CA286550971.

ClinVar aggregate classification (germline): Likely benign (1 of 4 stars; one submission).

Allele frequency attached by ClinVar (database versions not stated): gnomAD 0.00152.
gnomAD v4.1: 217 of 144,540 alleles (0.15%); highest among the groups gnomAD compares: Middle Eastern, 0.35%; 4 homozygotes.

Submission:

CeGaT Center for Human Genetics Tuebingen
Classification: Likely benign. Last evaluated: 2023-06-01. Review status: criteria provided, single submitter. Criteria: CeGaT Center For Human Genetics Tuebingen Variant Classification Criteria Version 2. Collection method: clinical testing. Allele origin: germline. Affected: yes. Observed: 2 variant alleles.
Comment: CHMP1A: BS2